The following is an entry in ClinVar:

ClinVar aggregate classification (germline): Uncertain significance (1 of 4 stars; one submission).

Submission:

Mayo Clinic Laboratories, Mayo Clinic
Classification: Uncertain significance. Last evaluated: 2024-07-30. Review status: criteria provided, single submitter. Criteria: ACMG Guidelines, 2015. Collection method: clinical testing. Allele origin: germline. Observed: 1 variant allele.
Comment: PP2

NM_001128225.3(SLC39A13):c.1079T>C (p.Ile360Thr)

Gene: SLC39A13 (solute carrier family 39 member 13; plus strand). Cytogenetic location: 11p11.2.
Variant type: single nucleotide variant.
Coding change: c.1079T>C on transcript NM_001128225.3 (MANE Select); coding-DNA position 1079, T replaced by C.
Protein change: p.Ile360Thr; replaces isoleucine 360 with threonine.
Molecular consequence: missense variant. On other transcripts: 3 prime UTR variant (1), non-coding transcript variant (1).
Genome position (GRCh38, 1-based): chr11:47,415,326, T>C. VCF-style: chr11-47415326-T-C. GRCh37 (hg19) VCF-style: chr11-47436877-T-C.
Other names: p.Ile353Thr; c.*76T>C (NM_001330245.2); c.1058T>C, p.Ile353Thr (NM_152264.5); short protein forms I353T, I360T.
Identifiers: ClinVar variation 3380021 (VCV003380021.1).